The following is an entry in ClinVar:

ClinVar aggregate classification (germline): Pathogenic. Review status: criteria provided, multiple submitters, no conflicts (2 of 4 stars). 2 submissions from 2 submitters: Pathogenic (2). Last evaluated 2026-09-11.

Conditions:
PURA-related severe neonatal hypotonia-seizures-encephalopathy syndrome (NEDRIHF). Also called: NEURODEVELOPMENTAL DISORDER WITH NEONATAL RESPIRATORY INSUFFICIENCY, HYPOTONIA, AND FEEDING DIFFICULTIES; PURA-Related Neurodevelopmental Disorders. Identifiers: Orphanet 438213, Orphanet 438216, MedGen C4015357, MONDO:1060108, OMIM 616158, MONDO:0018580.

Submissions (2):

Department of Human Genetics, Hannover Medical School
Classification: Pathogenic for PURA-related severe neonatal hypotonia-seizures-encephalopathy syndrome. Last evaluated: 2026-09-11. Review status: criteria provided, single submitter. Criteria: ACMG Guidelines, 2015. Collection method: clinical testing. Allele origin: de novo. Affected: yes.
Comment: PVS1, PS2_Supporting, PM2_Supporting

Victorian Clinical Genetics Services, Murdoch Childrens Research Institute
Classification: Pathogenic for PURA-related severe neonatal hypotonia-seizures-encephalopathy syndrome. Last evaluated: 2025-03-17. Review status: criteria provided, single submitter. Criteria: ACMG Guidelines, 2015. Collection method: clinical testing. Allele origin: germline. Affected: yes.
Comment: This variant is classified as Pathogenic. Evidence in support of pathogenic classification: Variant is predicted to result in a truncated protein (premature termination codon is NOT located at least 54 nucleotides upstream of the final exon-exon junction) with at least 1/3 of the protein sequence affected; Variant is absent from gnomAD (v2, v3 and v4); Other protein truncating variant(s) comparable to the one identified in this case have very strong previous evidence for pathogenicity (DECIPHER); Additional information: This variant is heterozygous; This gene is associated with autosomal dominant disease; Loss of function is likely a mechanism of disease in this gene and is associated with neurodevelopmental disorder with neonatal respiratory insufficiency, hypotonia, and feeding difficulties (MIM#616158; PMID: 28448108); Variants in this gene are known to have variable expressivity (PMID: 29097605).

Literature cited by the submitters: PubMed 29097605 (cited by Victorian Clinical Genetics Services, Murdoch Childrens Research Institute); PubMed 28448108 (cited by Victorian Clinical Genetics Services, Murdoch Childrens Research Institute).

NM_005859.5(PURA):c.148dup (p.Ala50fs)

Gene: PURA (purine rich element binding protein A; plus strand). Cytogenetic location: 5q31.3.
Variant type: Duplication.
Coding change: c.148dup on transcript NM_005859.5 (MANE Select); coding-DNA position 148, one base duplicated (G; older notation c.148dupG).
Protein change: p.Ala50fs; shifts the reading frame from alanine 50.
Molecular consequence: frameshift variant.
Genome position (GRCh38, 1-based): chr5:140,114,329, G duplicated; the last of 4 consecutive G bases (chr5:140,114,326-140,114,329); duplicating any one gives the same sequence. VCF-style (leftmost placement, unchanged base first): chr5-140114325-C-CG. GRCh37 (hg19) VCF-style: chr5-139493910-C-CG.
Other names: short protein forms A50fs.
Identifiers: ClinVar variation 4531973 (VCV004531973.2).
Genomic context (GRCh38, chr5:140,114,325, plus strand): 5'-AGGCTCCGGCGGGGGCGGTGGTGGCGGCGGGGGCGGCGGCGGCAGTGGCGGCGGCGGCGG[C>CG]GGGGCCCCAGGGGGGCTGCAGCACGAGACGCAGGAGCTGGCCTCCAAGCGGGTGGACATC-3'